The following is an entry in ClinVar:

NM_199135.4(FOXD4L3):c.138G>A (p.Ala46=)

Gene: FOXD4L3 (forkhead box D4 like 3; plus strand). Cytogenetic location: 9q21.11.
Variant type: single nucleotide variant.
Coding change: c.138G>A on transcript NM_199135.4 (MANE Select); coding-DNA position 138, G replaced by A.
Protein change: p.Ala46=; no amino-acid change (alanine 46 retained).
Molecular consequence: synonymous variant.
Genome position (GRCh38, 1-based): chr9:68,303,089, G>A. VCF-style: chr9-68303089-G-A. GRCh37 (hg19) VCF-style: chr9-70918005-G-A.
Identifiers: ClinVar variation 2659234 (VCV002659234.24), dbSNP rs1227681356, ClinGen allele CA465493349.

ClinVar aggregate classification (germline): Likely benign (1 of 4 stars; one submission).

Submission:

CeGaT Center for Human Genetics Tuebingen
Classification: Likely benign. Last evaluated: 2023-03-01. Review status: criteria provided, single submitter. Criteria: CeGaT Center For Human Genetics Tuebingen Variant Classification Criteria Version 2. Collection method: clinical testing. Allele origin: germline. Affected: yes. Observed: 1 variant allele.
Comment: FOXD4L3: BP4, BP7